The following is an entry in ClinVar:

NM_007194.4(CHEK2):c.1216C>A (p.Arg406Ser)

Gene: CHEK2 (checkpoint kinase 2; minus strand). Cytogenetic location: 22q12.1.
Variant type: single nucleotide variant.
Coding change: c.1216C>A on transcript NM_007194.4 (MANE Select); coding-DNA position 1216, C replaced by A.
Protein change: p.Arg406Ser; replaces arginine 406 with serine.
Molecular consequence: missense variant.
Genome position (GRCh38, 1-based): chr22:28,695,753, G>T on the plus strand (C>A on the coding strand, the complement: CHEK2 is on the minus strand). VCF-style: chr22-28695753-G-T. GRCh37 (hg19) VCF-style: chr22-29091741-G-T.
Other names: c.1345C>A, p.Arg449Ser (NM_001005735.3); c.553C>A, p.Arg185Ser (NM_001257387.3); c.1015C>A, p.Arg339Ser (NM_001349956.3); c.1129C>A, p.Arg377Ser (NM_145862.3); short protein forms R406S, R339S, R377S, R185S, R449S.
Identifiers: ClinVar variation 479574 (VCV000479574.31), dbSNP rs587782527, ClinGen allele CA323005769.
Genomic context (GRCh38, chr22:28,695,753, plus strand): 5'-ATGAAAATATTTCTTACCAGATAAAAAGAATAACTCCTAAACTCCAGCAGTCCACAGCAC[G>T]GTTATACCCAGCAGTCCCAACAGAAACAAGAACTTCAGGCGCCAAGTAGGTGGGGGTTCC-3'
Protein context (NP_009125.1, residues 396-416): LVSVGTAGYN[Arg406Ser]AVDCWSLGVI

ClinVar aggregate classification (germline): Uncertain significance. Review status: criteria provided, multiple submitters, no conflicts (2 of 4 stars). 9 submissions from 9 submitters: Uncertain significance (8). 1 of the submissions does not count toward it. Last evaluated 2026-02-02.

Conditions:
Hereditary cancer-predisposing syndrome. Also called: Hereditary Cancer Syndrome; Neoplastic Syndromes, Hereditary; Tumor predisposition; Hereditary neoplastic syndrome. Identifiers: Orphanet 140162, MedGen C0027672, MeSH D009386, MONDO:0015356.
CHEK2-related cancer predisposition (TPDS4). Also called: TUMOR PREDISPOSITION SYNDROME 4; CANCER PREDISPOSITION SYNDROME, CHEK2-RELATED; CHEK2-related cancer susceptibility. Identifiers: Orphanet 524, MedGen C5882668, MONDO:0700271, OMIM 609265.
CHEK2-related disorder.
Familial cancer of breast. Also called: BREAST CANCER, FAMILIAL; Hereditary breast cancer; hereditary breast carcinoma. Identifiers: Orphanet 227535, MedGen C0346153, MONDO:0016419, OMIM 114480. Disease mechanism: loss of function.

Allele frequency attached by ClinVar (database versions not stated): TOPMed 0.00002.

Submissions (9):

Labcorp Genetics (formerly Invitae), Labcorp
Classification: Uncertain significance for Familial cancer of breast. Last evaluated: 2026-02-02. Review status: criteria provided, single submitter. Criteria: Invitae Variant Classification Sherloc (09022015). Collection method: clinical testing. Allele origin: germline.
Comment: This sequence change replaces arginine, which is basic and polar, with serine, which is neutral and polar, at codon 406 of the CHEK2 protein (p.Arg406Ser). This variant is present in population databases (no rsID available, gnomAD 0.01%). This variant has not been reported in the literature in individuals affected with CHEK2-related conditions. ClinVar contains an entry for this variant (Variation ID: 479574). An algorithm developed to predict the effect of missense changes on protein structure and function (PolyPhen-2) suggests that this variant is likely to be tolerated. Experimental studies have shown that this missense change does not substantially affect CHEK2 function (PMID: 37449874). RNA analysis performed to evaluate the impact of this missense change on mRNA splicing indicates it does not significantly alter splicing (internal data). In summary, the available evidence is currently insufficient to determine the role of this variant in disease. Therefore, it has been classified as a Variant of Uncertain Significance.

Ambry Genetics
Classification: Uncertain significance for Hereditary cancer-predisposing syndrome. Last evaluated: 2025-05-19. Review status: criteria provided, single submitter. Criteria: Ambry Variant Classification Scheme 2023. Collection method: clinical testing. Allele origin: germline.
Comment: The p.R406S variant (also known as c.1216C>A), located in coding exon 10 of the CHEK2 gene, results from a C to A substitution at nucleotide position 1216. The arginine at codon 406 is replaced by serine, an amino acid with dissimilar properties. This variant was reported as functional in a study assessing CHEK2-complementation through quantification of KAP1 phosphorylation and CHK2 autophosphorylation in human RPE1-CHEK2-knockout cells (Stolarova L et al. Clin Cancer Res, 2023 Aug;29:3037-3050). This amino acid position is not well conserved in available vertebrate species. In addition, this alteration is predicted to be tolerated by in silico analysis. Based on the available evidence, the clinical significance of this variant remains unclear.

Color Diagnostics, LLC DBA Color Health
Classification: Uncertain significance for Hereditary cancer-predisposing syndrome. Last evaluated: 2024-08-19. Review status: criteria provided, single submitter. Criteria: ACMG Guidelines, 2015. Collection method: clinical testing. Allele origin: germline.
Comment: This missense variant replaces arginine with serine at codon 406 of the CHEK2 protein. Computational prediction suggests that this variant may not impact protein structure and function. A functional study has shown that this variant does not impact kinase activity (PMID: 37449874). This variant has been reported in two individuals affected with breast cancer (PMID: 37449874). This variant has been identified in 6/282232 chromosomes in the general population by the Genome Aggregation Database (gnomAD). The available evidence is insufficient to determine the role of this variant in disease conclusively. Therefore, this variant is classified as a Variant of Uncertain Significance.

Baylor Genetics
Classification: Uncertain significance for Familial cancer of breast. Last evaluated: 2023-10-17. Review status: criteria provided, single submitter. Criteria: ACMG Guidelines, 2015. Collection method: clinical testing. Allele origin: unknown.

GeneDx
Classification: Uncertain significance. Last evaluated: 2023-09-26. Review status: criteria provided, single submitter. Criteria: GeneDx Variant Classification Process June 2021. Collection method: clinical testing. Allele origin: germline. Affected: yes.
Comment: Not observed at significant frequency in large population cohorts (gnomAD); In silico analysis supports that this missense variant does not alter protein structure/function; Has not been previously published as pathogenic or benign to our knowledge; This variant is associated with the following publications: (PMID: 23806170, 18706089, 19782031, 22419737)

Department of Pathology and Laboratory Medicine, Sinai Health System
Classification: Uncertain significance for CHEK2-related cancer predisposition. Last evaluated: 2023-05-30. Review status: criteria provided, single submitter. Criteria: ACMG Guidelines, 2015. Collection method: clinical testing. Allele origin: germline. Affected: yes.

Quest Diagnostics Nichols Institute San Juan Capistrano
Classification: Uncertain significance. Last evaluated: 2023-02-07. Review status: criteria provided, single submitter. Criteria: Quest Diagnostics criteria. Collection method: clinical testing. Allele origin: unknown.
Comment: The variant has not been reported in individuals with CHEK2-related conditions in the published literature. The frequency of this variant in the general population, 0.00014 (5/35430 chromosomes), is uninformative in assessment of its pathogenicity. Analysis of this variant using bioinformatics tools for the prediction of the effect of amino acid changes on protein structure and function yielded conflicting predictions that this variant is benign or damaging. Based on the available information, we are unable to determine the clinical significance of this variant.

Sema4
Classification: Uncertain significance for Hereditary cancer-predisposing syndrome. Last evaluated: 2021-12-17. Review status: criteria provided, single submitter. Criteria: Sema4 Curation Guidelines. Collection method: curation. Allele origin: germline.
Comment: The CHEK2 c.1216C>A (p.R406S) variant has not been reported in the literature to our knowledge. It was observed in 5/35430 chromosomes in the Latino subpopulation in the large and broad cohorts of the Genome Aggregation Database (PMID: 32461654). This variant has been reported in ClinVar (Variation ID: 479574). Functional studies have not been performed, and in silico predictions of the variant's effect on protein function are inconclusive. The evidence is insufficient to meet ACMG/AMP criteria for classifying the variant as benign or pathogenic. Thus, the clinical significance of this variant is currently uncertain.

PreventionGenetics, part of Exact Sciences
Classification: Uncertain significance for CHEK2-related condition. Last evaluated: 2024-01-18. Review status: no assertion criteria provided. Collection method: clinical testing. Allele origin: germline. Not counted in ClinVar's aggregate classification.
Comment: The CHEK2 c.1216C>A variant is predicted to result in the amino acid substitution p.Arg406Ser. To our knowledge, this variant has not been reported in the literature. This variant is reported in 0.014% of alleles in individuals of Latino descent in gnomAD and has been interpreted as uncertain in ClinVar. At this time, the clinical significance of this variant is uncertain due to the absence of conclusive functional and genetic evidence.

Literature cited by the submitters: PubMed 37449874 (cited by 3 submitters).